The following is an entry in ClinVar:

ClinVar aggregate classification (germline): Uncertain significance (1 of 4 stars; one submission).

Allele frequency attached by ClinVar (database versions not stated): gnomAD 0.00001; gnomAD exomes 0.00001 and 0.00002; TOPMed 0.00002.
gnomAD v4.1: 33 of 1,551,662 alleles (0.0021%); highest among the groups gnomAD compares: Non-Finnish European, 0.0027%; no homozygotes.

Submission:

Labcorp Genetics (formerly Invitae), Labcorp
Classification: Uncertain significance. Last evaluated: 2021-09-17. Review status: criteria provided, single submitter. Criteria: Invitae Variant Classification Sherloc (09022015). Collection method: clinical testing. Allele origin: germline.
Comment: This sequence change replaces alanine with glycine at codon 2769 of the UNC80 protein (p.Ala2769Gly). The alanine residue is moderately conserved and there is a small physicochemical difference between alanine and glycine. This variant is not present in population databases (ExAC no frequency). This variant has not been reported in the literature in individuals affected with UNC80-related conditions. Algorithms developed to predict the effect of missense changes on protein structure and function are either unavailable or do not agree on the potential impact of this missense change (SIFT: "Not Available"; PolyPhen-2: "Probably Damaging"; Align-GVGD: "Not Available"). In summary, the available evidence is currently insufficient to determine the role of this variant in disease. Therefore, it has been classified as a Variant of Uncertain Significance.

NM_001371986.1(UNC80):c.8504C>G (p.Ala2835Gly)

Gene: UNC80 (unc-80 homolog, NALCN channel complex subunit; plus strand). Cytogenetic location: 2q34.
Variant type: single nucleotide variant.
Coding change: c.8504C>G on transcript NM_001371986.1 (MANE Select); coding-DNA position 8504, C replaced by G.
Protein change: p.Ala2835Gly; replaces alanine 2835 with glycine.
Molecular consequence: missense variant.
Genome position (GRCh38, 1-based): chr2:209,973,187, C>G. VCF-style: chr2-209973187-C-G. GRCh37 (hg19) VCF-style: chr2-210837911-C-G.
Other names: c.8306C>G, p.Ala2769Gly (NM_032504.2); c.8291C>G, p.Ala2764Gly (NM_182587.4); short protein forms A2764G, A2769G, A2835G.
Identifiers: ClinVar variation 1365208 (VCV001365208.5), dbSNP rs973038739, ClinGen allele CA64657541.